The following is an entry in ClinVar:

NM_000059.4(BRCA2):c.8885_8950del (p.Leu2962_Asp2983del)

Gene: BRCA2 (BRCA2 DNA repair associated; plus strand). Cytogenetic location: 13q13.1.
Variant type: Deletion.
Coding change: c.8885_8950del on transcript NM_000059.4 (MANE Select); coding-DNA positions 8885 to 8950, 66 bases deleted.
Protein change: p.Leu2962_Asp2983del.
Molecular consequence: inframe deletion.
Genome position (GRCh38, 1-based): chr13:32,379,447-32,379,512, 66 bases deleted. GRCh37 (hg19): chr13:32,953,584-32,953,649.
Other names: c.8885_8950delTATCAAGGGATGTCACAACCGTGTGGAAGTTGCGTATTGTAAGCTATTCAAAAAAAGAAAAAGATT (NM_000059.3); c.8885_8950del66 (NM_000059.3, NM_000059.4).
Identifiers: ClinVar variation 569309 (VCV000569309.19), dbSNP rs1566252712, ClinGen allele CA891843579.

ClinVar aggregate classification (germline): Uncertain significance. Review status: criteria provided, multiple submitters, no conflicts (2 of 4 stars). 6 submissions from 6 submitters: Uncertain significance (6). Last evaluated 2025-05-29.

Conditions:
Hereditary breast ovarian cancer syndrome. Also called: Hereditary breast and ovarian cancer syndrome; Breast and ovarian cancer; Hereditary breast and ovarian cancer; Hereditary breast and/or ovarian cancer syndrome; Hereditary breast and ovarian cancer syndrome (HBOC); BRCA1- and BRCA2-Associated Hereditary Breast and Ovarian Cancer. Identifiers: Orphanet 145, MedGen C0677776, MeSH D061325, MONDO:0003582. Disease mechanism: loss of function.
Hereditary cancer-predisposing syndrome. Also called: Hereditary neoplastic syndrome; Tumor predisposition; Neoplastic Syndromes, Hereditary; Hereditary Cancer Syndrome. Identifiers: Orphanet 140162, MedGen C0027672, MeSH D009386, MONDO:0015356.

Submissions (6):

Ambry Genetics
Classification: Uncertain significance for Hereditary cancer-predisposing syndrome. Last evaluated: 2025-05-29. Review status: criteria provided, single submitter. Criteria: Ambry Variant Classification Scheme 2023. Collection method: clinical testing. Allele origin: germline.
Comment: The c.8885_8950del66 variant (also known as p.L2962_D2983del) is located in coding exon 21 of the BRCA2 gene. This variant results from an in-frame deletion of 66 nucleotides at positions 8885 to 8950. This results in the deletion of 22 amino acids between codons 2962 and 2983. This alteration has been identified in multiple individuals diagnosed with breast cancer (Ren M et al. Breast Cancer Res Treat, 2021 Sep;189:533-539). In addition, this alteration is predicted to be deleterious by in silico analysis (Choi Y et al. PLoS ONE. 2012; 7(10):e46688) and by structural assessment (Ambry internal data). Since supporting evidence is limited at this time, the clinical significance of this alteration remains unclear.

Color Diagnostics, LLC DBA Color Health
Classification: Uncertain significance for Hereditary cancer-predisposing syndrome. Last evaluated: 2024-11-14. Review status: criteria provided, single submitter. Criteria: ACMG Guidelines, 2015. Collection method: clinical testing. Allele origin: germline.
Comment: This variant causes an in-frame deletion of 22 amino acids, Leu2962 to Asp2983, in the DNA binding domain (residues 2481-3186) in the BRCA2 protein. To our knowledge, functional studies have not been reported for this variant. While this deletion impacts a clinically important functional domain, functional studies that have examined single amino acid substitutions (missense variants) within the deleted protein region have not found any to be functionally abnormal (PMID: 29394989, 29988080, 32444794, 33609447, 35736817). There have been over 40 missense variants reported in the deleted region in ClinVar. Only one variant, c.8948A>T (p.Asp2983Val), is reported as likely disease-causing by a single laboratory and VUS by another (ClinVar Variation ID: 1686523). This deletion removes the second beta strand in the OB2 subdomain of the DNA binding domain, including the conserved Lys2971 that contacts DNA (PMID: 12228710). This 22 amino acids deletion has been reported as c.8883_8948del in the literature, where it has been detected in four individuals affected with breast cancer (PMID: 34196900). This variant has not been identified in the general population by the Genome Aggregation Database (gnomAD). Although there is a suspicion that this variant may impair DNA binding, additional functional and clinical studies are necessary to determine the role of this variant in disease conclusively. Therefore, this variant is classified as a Variant of Uncertain Significance.

Women's Health and Genetics/Laboratory Corporation of America, LabCorp
Classification: Uncertain significance. Last evaluated: 2024-09-23. Review status: criteria provided, single submitter. Criteria: LabCorp Variant Classification Summary - May 2015. Collection method: clinical testing. Allele origin: germline.
Comment: Variant summary: BRCA2 c.8885_8950del66 (p.Leu2962_Asp2983del) results in an in-frame deletion that is predicted to remove 22 amino acids from the encoded protein. The variant was absent in 250274 control chromosomes. The available data on variant occurrences in the general population are insufficient to allow any conclusion about variant significance. c.8885_8950del66 has been reported in the literature in multiple individuals from a breast cancer cohort (example, Ren_2021), without additional segregation data. These report(s) do not provide unequivocal conclusions about association of the variant with Hereditary Breast And Ovarian Cancer Syndrome. To our knowledge, no experimental evidence demonstrating an impact on protein function has been reported. The following publication has been ascertained in the context of this evaluation (PMID: 34196900). ClinVar contains an entry for this variant (Variation ID: 569309). Based on the evidence outlined above, the variant was classified as uncertain significance.

GeneDx
Classification: Uncertain significance. Last evaluated: 2024-09-12. Review status: criteria provided, single submitter. Criteria: GeneDx Variant Classification Process June 2021. Collection method: clinical testing. Allele origin: germline. Affected: yes.
Comment: In-frame deletion of 22 of amino acids; Observed in individuals with a personal history of breast cancer (PMID: 34196900); Not observed at significant frequency in large population cohorts (gnomAD); In silico analysis supports a deleterious effect on protein structure/function; Also known as 9113_9178del; This variant is associated with the following publications: (PMID: 12228710, 34196900)

Quest Diagnostics Nichols Institute San Juan Capistrano
Classification: Uncertain significance. Last evaluated: 2023-06-27. Review status: criteria provided, single submitter. Criteria: Quest Diagnostics criteria. Collection method: clinical testing. Allele origin: unknown.
Comment: In the published literature, this variant has been reported in multiple individuals with breast cancer (PMID: 34196900 (2021)). This variant has not been reported in large, multi-ethnic general populations (Genome Aggregation Database). Based on the available information, we are unable to determine the clinical significance of this variant.

Labcorp Genetics (formerly Invitae), Labcorp
Classification: Uncertain significance for Hereditary breast ovarian cancer syndrome. Last evaluated: 2023-06-09. Review status: criteria provided, single submitter. Criteria: Invitae Variant Classification Sherloc (09022015). Collection method: clinical testing. Allele origin: germline.
Comment: In summary, the available evidence is currently insufficient to determine the role of this variant in disease. Therefore, it has been classified as a Variant of Uncertain Significance. Experimental studies and prediction algorithms are not available or were not evaluated, and the functional significance of this variant is currently unknown. ClinVar contains an entry for this variant (Variation ID: 569309). This variant has not been reported in the literature in individuals affected with BRCA2-related conditions. This variant is not present in population databases (gnomAD no frequency). This variant, c.8885_8950del, results in the deletion of 22 amino acid(s) of the BRCA2 protein (p.Leu2962_Asp2983del), but otherwise preserves the integrity of the reading frame.

Literature cited by the submitters: PubMed 34196900 (cited by 4 submitters); PubMed 12228710 (cited by Color Diagnostics, LLC DBA Color Health); PubMed 29394989 (cited by Color Diagnostics, LLC DBA Color Health); PubMed 29988080 (cited by Color Diagnostics, LLC DBA Color Health); PubMed 32444794 (cited by Color Diagnostics, LLC DBA Color Health); PubMed 33609447 (cited by Color Diagnostics, LLC DBA Color Health); PubMed 35736817 (cited by Color Diagnostics, LLC DBA Color Health).